The following is an entry in ClinVar:

NM_177965.4(CFAP418):c.295G>C (p.Gly99Arg)

Gene: CFAP418 (cilia and flagella associated protein 418; minus strand). Cytogenetic location: 8q22.1.
Variant type: single nucleotide variant.
Coding change: c.295G>C on transcript NM_177965.4 (MANE Select); coding-DNA position 295, G replaced by C.
Protein change: p.Gly99Arg; replaces glycine 99 with arginine.
Molecular consequence: missense variant.
Genome position (GRCh38, 1-based): chr8:95,260,481, C>G on the plus strand (G>C on the coding strand, the complement: CFAP418 is on the minus strand). VCF-style: chr8-95260481-C-G. GRCh37 (hg19) VCF-style: chr8-96272709-C-G.
Other names: c.295G>C, p.Gly99Arg (NM_001363260.1); short protein forms G99R.
Identifiers: ClinVar variation 5000294 (VCV005000294.1).

ClinVar aggregate classification (germline): Uncertain significance (1 of 4 stars; one submission).

Conditions:
CFAP418-related disorder. Also called: CFAP418-related condition.

Submission:

PreventionGenetics, part of Exact Sciences
Classification: Uncertain significance for CFAP418-related condition. Last evaluated: 2025-06-10. Review status: criteria provided, single submitter. Criteria: ACMG Guidelines, 2015. Collection method: clinical testing. Allele origin: germline.
Comment: The CFAP418 c.295G>C variant is predicted to result in the amino acid substitution p.Gly99Arg. To our knowledge, this variant has not been reported in the literature or in a large population database (gnomAD), indicating this variant is rare. At this time, the clinical significance of this variant is uncertain due to the absence of conclusive functional and genetic evidence.